The following is an entry in ClinVar:

ClinVar aggregate classification (germline): Conflicting classifications of pathogenicity. Review status: criteria provided, conflicting classifications (1 of 4 stars). 10 submissions from 10 submitters: Pathogenic (1); Uncertain significance (8). 1 of the submissions does not count toward it. Last evaluated 2024-12-10.

Conditions:
GCH1-related disorder. Also called: GCH1-related condition.
Dystonia, dopa-responsive, with or without hyperphenylalaninemia, autosomal recessive. Identifiers: MedGen CN322657, MONDO:0100098.
GTP cyclohydrolase I deficiency with hyperphenylalaninemia (HPABH4B). Also called: HYPERPHENYLALANINEMIA, BH4-DEFICIENT, B; Hyperphenylalaninemia, tetrahydrobiopterin-deficient, due to GTP cyclohydrolase 1 deficiency; HYPERPHENYLALANINEMIA, TETRAHYDROBIOPTERIN-DEFICIENT, DUE TO GTP CYCLOHYDROLASE I DEFICIENCY. Identifiers: Orphanet 2102, Orphanet 238583, MedGen CN305333, MONDO:0100186, OMIM 233910.
Dystonia 5 (DRD). Also called: DYT-GCH1; GTP Cyclohydrolase 1-Deficient Dopa-Responsive Dystonia; Dystonia, DOPA-responsive, with or without hyperphenylalaninemia; DYSTONIA, PROGRESSIVE, WITH DIURNAL VARIATION; DYSTONIA-PARKINSONISM WITH DIURNAL FLUCTUATION. Identifiers: Orphanet 98808, MedGen C1851920, MONDO:0007495, OMIM 128230.
GTP cyclohydrolase I deficiency. Identifiers: MedGen C0268467, MONDO:0100184.
Intellectual disability. Also called: Intellectual functioning disability; intellectual disabilities; Intellectual developmental disorder. Identifiers: MedGen C3714756, MeSH D008607, MONDO:0001071, HP:0001249.

Allele frequency attached by ClinVar (database versions not stated): gnomAD 0.00002; gnomAD exomes 0.00002 and 0.00004; ExAC 0.00003; TOPMed 0.00004.
gnomAD v4.1: 67 of 1,613,846 alleles (0.0042%); highest among the groups gnomAD compares: Non-Finnish European, 0.0053%; no homozygotes.

Submissions (10):

PreventionGenetics, part of Exact Sciences
Classification: Uncertain significance for GCH1-related condition. Last evaluated: 2024-12-10. Review status: criteria provided, single submitter. Criteria: ACMG Guidelines, 2015. Collection method: clinical testing. Allele origin: germline.
Comment: The GCH1 c.662T>C variant is predicted to result in the amino acid substitution p.Met221Thr. This variant has been reported in the compound heterozygous state with a frameshift variant in a patient with clinical features suggestive of hereditary progressive dystonia/dopa-responsive dystonia (Furukawa et al. 1998. PubMed ID: 9667588). This variant has also been reported in an individual with Parkinson disease who responded well to L-DOPA treatment (Rudakou et al. 2018. PubMed ID: 30314816). This variant is reported in 0.0040% of alleles in individuals of European (Finnish) descent in gnomAD. Although we suspect that this variant may be pathogenic, at this time, the clinical significance of this variant is uncertain due to the absence of conclusive functional and genetic evidence.

Victorian Clinical Genetics Services, Murdoch Childrens Research Institute
Classification: Uncertain significance for Dystonia 5. Last evaluated: 2024-09-23. Review status: criteria provided, single submitter. Criteria: ACMG Guidelines, 2015. Collection method: clinical testing. Allele origin: germline. Affected: yes.
Comment: Based on the classification scheme VCGS_Germline_v1.3.4, this variant is classified as VUS-3A. Following criteria are met: 0103 - Dominant negative and loss of function are known mechanisms of disease in this gene and are associated with dystonia, DOPA-responsive (MIM#128230) and hyperphenylalaninaemia, BH4-deficient, B (MIM#233910). Missense variants have been proven to have both a loss of function and dominant negative effect on protein function, causing both dominant and recessive forms of dystonia. Only loss of function variants have been reported for hyperphenylalaninaemia (PMID: 11026444,17111153). (I) 0108 - This gene is associated with both recessive and dominant disease (OMIM, PMID: 33713342). (I) 0112 - The dominant dystonia condition associated with this gene has incomplete penetrance (PMID: 11359069). (I) 0115 - Variants in this gene are known to have variable expressivity (PMID: 33713342). (I) 0200 - Variant is predicted to result in a missense amino acid change from methionine to threonine. (I) 0252 - This variant is homozygous. (I) 0304 - Variant is present in gnomAD (v2) <0.01 (5 heterozygotes, 0 homozygotes). (SP) 0502 - Missense variant with conflicting in silico predictions and uninformative conservation. (I) 0600 - Variant is located in the annotated GTP cyclohydrolase I domain (DECIPHER). (I) 0710 - Another missense variant comparable to the one identified in this case has inconclusive previous evidence for pathogenicity. p.(Met221Val) has been submitted to ClinVar once as a VUS. (I) 0808 - Previous reports of pathogenicity for this variant are conflicting. This variant has been submitted to ClinVar once as pathogenic and twice as a VUS. This variant has also been identified once in a heterozygous individual with Parkinson's disease and classified as pathogenic (PMID: 30314816), and in a compound heterozygous state in an individual with severe dystonia and developmental delay (PMID: 9667588, 9566389). (I) 0906 - Segregation evidence for this variant is inconclusive. However, the compound heterozygous proband was noted to be more severely affected and with earlier onset of symptoms (PMID: 9667588, 9566389). (I) 1010 - Functional evidence for this variant is inconclusive. Patient lymphoblasts from a compound heterozygous individual had reduced neopterin levels compared to controls. However, lymphoblasts from their father who is heterozygous for just this variant did not have reduced neopterin levels, while lymphoblasts from individuals with only the other variant did have reduced neopterin levels (PMID: 9566389). (I) 1208 - Inheritance information for this variant is not currently available in this individual. (I) Legend: (SP) - Supporting pathogenic, (I) - Information, (SB) - Supporting benign

Women's Health and Genetics/Laboratory Corporation of America, LabCorp
Classification: Uncertain significance. Last evaluated: 2024-08-22. Review status: criteria provided, single submitter. Criteria: LabCorp Variant Classification Summary - May 2015. Collection method: clinical testing. Allele origin: germline.
Comment: Variant summary: GCH1 c.662T>C (p.Met221Thr) results in a non-conservative amino acid change located in the GTP cyclohydrolase I domain (IPR020602) of the encoded protein sequence. Three of five in-silico tools predict a damaging effect of the variant on protein function. The variant allele was found at a frequency of 1.6e-05 in 248966 control chromosomes. The available data on variant occurrences in the general population are insufficient to allow any conclusion about variant significance. c.662T>C has been reported in the literature in an individual affected with Dystonia (Furukawa_1998). These data do not allow any conclusion about variant significance. To our knowledge, no experimental evidence demonstrating an impact on protein function has been reported. The following publication have been ascertained in the context of this evaluation (PMID: 9667588). ClinVar contains an entry for this variant (Variation ID: 9281). Based on the evidence outlined above, the variant was classified as uncertain significance.

Athena Diagnostics
Classification: Uncertain significance. Last evaluated: 2024-01-19. Review status: criteria provided, single submitter. Criteria: Athena Diagnostics Criteria. Collection method: clinical testing. Allele origin: unknown.
Comment: Available data are insufficient to determine the clinical significance of the variant at this time. The frequency of this variant in the general population is uninformative in assessment of its pathogenicity. This variant has been identified in at least one individual with autosomal recessive dopa-responsive dystonia. Computational tools disagree on the variant's effect on normal protein function.

Department of Pathology and Laboratory Medicine, Sinai Health System
Classification: Uncertain significance for Dystonia 5; GTP cyclohydrolase I deficiency with hyperphenylalaninemia. Last evaluated: 2023-08-29. Review status: criteria provided, single submitter. Criteria: ACMG Guidelines, 2015. Collection method: research. Allele origin: germline.

Blueprint Genetics
Classification: Uncertain significance. Last evaluated: 2023-03-01. Review status: criteria provided, single submitter. Criteria: ACMG Guidelines, 2015. Collection method: clinical testing. Allele origin: germline.

Labcorp Genetics (formerly Invitae), Labcorp
Classification: Uncertain significance for GTP cyclohydrolase I deficiency; Dystonia 5. Last evaluated: 2022-09-10. Review status: criteria provided, single submitter. Criteria: Invitae Variant Classification Sherloc (09022015). Collection method: clinical testing. Allele origin: germline.
Comment: This sequence change replaces methionine, which is neutral and non-polar, with threonine, which is neutral and polar, at codon 221 of the GCH1 protein (p.Met221Thr). This variant is present in population databases (rs104894434, gnomAD 0.004%). This missense change has been observed in individual(s) with clinical features of GCH1-related conditions (PMID: 9667588, 30314816). In at least one individual the data is consistent with being in trans (on the opposite chromosome) from a pathogenic variant. ClinVar contains an entry for this variant (Variation ID: 9281). Advanced modeling of protein sequence and biophysical properties (such as structural, functional, and spatial information, amino acid conservation, physicochemical variation, residue mobility, and thermodynamic stability) performed at Invitae indicates that this missense variant is not expected to disrupt GCH1 protein function. In summary, the available evidence is currently insufficient to determine the role of this variant in disease. Therefore, it has been classified as a Variant of Uncertain Significance.

AiLife Diagnostics
Classification: Uncertain significance. Last evaluated: 2022-03-29. Review status: criteria provided, single submitter. Criteria: ACMG Guidelines, 2015. Collection method: clinical testing. Allele origin: germline. Affected: yes. Observed: 1 variant allele.

Diagnostic Laboratory, Strasbourg University Hospital
Classification: Pathogenic for Intellectual disability. Last evaluated: 2020-09-10. Review status: criteria provided, single submitter. Criteria: ACMG Guidelines, 2015. Collection method: clinical testing. Allele origin: maternal. Affected: yes. Observed: 1 heterozygote.

OMIM
Classification: Pathogenic for DYSTONIA, DOPA-RESPONSIVE, WITH OR WITHOUT HYPERPHENYLALANINEMIA, AUTOSOMAL RECESSIVE. Last evaluated: 1998-07-01. Review status: no assertion criteria provided. Collection method: literature only. Allele origin: germline. Not counted in ClinVar's aggregate classification.

Literature cited by the submitters: PubMed 9566389 (cited by Victorian Clinical Genetics Services, Murdoch Childrens Research Institute); PubMed 9667588 (cited by 6 submitters); PubMed 11026444 (cited by Victorian Clinical Genetics Services, Murdoch Childrens Research Institute); PubMed 11359069 (cited by Victorian Clinical Genetics Services, Murdoch Childrens Research Institute); PubMed 17111153 (cited by Victorian Clinical Genetics Services, Murdoch Childrens Research Institute); PubMed 30314816 (cited by 4 submitters); PubMed 33713342 (cited by Victorian Clinical Genetics Services, Murdoch Childrens Research Institute); PubMed 34426522 (cited by AiLife Diagnostics).

NM_000161.3(GCH1):c.662T>C (p.Met221Thr)

Gene: GCH1 (GTP cyclohydrolase 1; minus strand). Cytogenetic location: 14q22.2.
Variant type: single nucleotide variant.
Coding change: c.662T>C on transcript NM_000161.3 (MANE Select); coding-DNA position 662, T replaced by C.
Protein change: p.Met221Thr; replaces methionine 221 with threonine.
Molecular consequence: missense variant. On other transcripts: intron variant (2).
Genome position (GRCh38, 1-based): chr14:54,844,108, A>G on the plus strand (T>C on the coding strand, the complement: GCH1 is on the minus strand). VCF-style: chr14-54844108-A-G. GRCh37 (hg19) VCF-style: chr14-55310826-A-G.
Other names: c.662T>C, p.Met221Thr (NM_001024024.2); c.627-1054T>C (NM_001024071.2); c.627-239T>C (NM_001024070.2); short protein forms M221T.
Identifiers: ClinVar variation 9281 (VCV000009281.13), dbSNP rs104894434, ClinGen allele CA120278.
Genomic context (GRCh38, chr14:54,844,108, plus strand): 5'-CGAGTCTTTGGATCCTCCCGGAACACACCCAACATTGTGCTGGTCACAGTTTTGCTGTTC[A>G]TTTTCTGTACACCTCGCATTACCATACACATGTGTCTACAAAATAAGGCAACACAGGTTG-3'
Protein context (NP_000152.1, residues 211-231): MCMVMRGVQK[Met221Thr]NSKTVTSTML